The following is an entry in ClinVar:

NM_001080449.3(DNA2):c.2801C>T (p.Pro934Leu)

Gene: DNA2 (DNA replication helicase/nuclease 2; minus strand). Cytogenetic location: 10q21.3.
Variant type: single nucleotide variant.
Coding change: c.2801C>T on transcript NM_001080449.3 (MANE Select); coding-DNA position 2801, C replaced by T.
Protein change: p.Pro934Leu; replaces proline 934 with leucine.
Molecular consequence: missense variant. On other transcripts: non-coding transcript variant (1).
Genome position (GRCh38, 1-based): chr10:68,419,200, G>A on the plus strand (C>T on the coding strand, the complement: DNA2 is on the minus strand). VCF-style: chr10-68419200-G-A. GRCh37 (hg19) VCF-style: chr10-70178957-G-A.
Other names: short protein forms P934L.
Identifiers: ClinVar variation 3696053 (VCV003696053.2).

ClinVar aggregate classification (germline): Uncertain significance (1 of 4 stars; one submission).

gnomAD v4.1: 6 of 1,583,978 alleles (0.00038%); highest among the groups gnomAD compares: Non-Finnish European, 0.00051%; no homozygotes.

Submission:

Labcorp Genetics (formerly Invitae), Labcorp
Classification: Uncertain significance. Last evaluated: 2025-03-31. Review status: criteria provided, single submitter. Criteria: Invitae Variant Classification Sherloc (09022015). Collection method: clinical testing. Allele origin: germline.
Comment: This sequence change replaces proline, which is neutral and non-polar, with leucine, which is neutral and non-polar, at codon 934 of the DNA2 protein (p.Pro934Leu). This variant is not present in population databases (gnomAD no frequency). This variant has not been reported in the literature in individuals affected with DNA2-related conditions. Invitae Evidence Modeling of protein sequence and biophysical properties (such as structural, functional, and spatial information, amino acid conservation, physicochemical variation, residue mobility, and thermodynamic stability) indicates that this missense variant is not expected to disrupt DNA2 protein function with a negative predictive value of 80%. In summary, the available evidence is currently insufficient to determine the role of this variant in disease. Therefore, it has been classified as a Variant of Uncertain Significance.